The following is an entry in ClinVar:

ClinVar aggregate classification (germline): Likely benign. Review status: criteria provided, multiple submitters, no conflicts (2 of 4 stars). 3 submissions from 3 submitters: Likely benign (3). Last evaluated 2026-01-26.

Conditions:
SCN11A-related disorder. Also called: SCN11A-related condition.
Familial episodic pain syndrome with predominantly lower limb involvement. Also called: Episodic pain syndrome, familial, 3. Identifiers: Orphanet 391384, Orphanet 391392, MedGen C3809899, MONDO:0014247, OMIM 615552.
Hereditary sensory and autonomic neuropathy type 7. Also called: HSAN VII; Neuropathy, hereditary sensory and autonomic, type VII. Identifiers: Orphanet 391397, MedGen C3809882, MONDO:0014244, OMIM 615548.

Allele frequency attached by ClinVar (database versions not stated): gnomAD 0.00001; TOPMed 0.00003.
gnomAD v4.1: 76 of 1,613,850 alleles (0.0047%); highest among the groups gnomAD compares: Admixed American, 0.0083%; no homozygotes.

Submissions (3):

PreventionGenetics, part of Exact Sciences
Classification: Likely benign for SCN11A-related condition. Last evaluated: 2026-01-26. Review status: criteria provided, single submitter. Criteria: ACMG Guidelines, 2015. Collection method: clinical testing. Allele origin: germline.
Comment: This variant is classified as likely benign based on ACMG/AMP sequence variant interpretation guidelines (Richards et al. 2015 PMID: 25741868, with internal and published modifications).

Labcorp Genetics (formerly Invitae), Labcorp
Classification: Likely benign for Familial episodic pain syndrome with predominantly lower limb involvement; Hereditary sensory and autonomic neuropathy type 7. Last evaluated: 2024-05-09. Review status: criteria provided, single submitter. Criteria: Invitae Variant Classification Sherloc (09022015). Collection method: clinical testing. Allele origin: germline.

Blueprint Genetics
Classification: Likely benign. Last evaluated: 2021-10-19. Review status: criteria provided, single submitter. Criteria: ACMG Guidelines, 2015. Collection method: clinical testing. Allele origin: germline.

NM_001349253.2(SCN11A):c.99C>T (p.Ile33=)

Gene: SCN11A (sodium voltage-gated channel alpha subunit 11; minus strand). Cytogenetic location: 3p22.2.
Variant type: single nucleotide variant.
Coding change: c.99C>T on transcript NM_001349253.2 (MANE Select); coding-DNA position 99, C replaced by T.
Protein change: p.Ile33=; no amino-acid change (isoleucine 33 retained).
Molecular consequence: synonymous variant.
Genome position (GRCh38, 1-based): chr3:38,950,264, G>A on the plus strand (C>T on the coding strand, the complement: SCN11A is on the minus strand). VCF-style: chr3-38950264-G-A. GRCh37 (hg19) VCF-style: chr3-38991755-G-A.
Other names: c.99C>T, p.Ile33= (NM_014139.3); c.99C>T (NM_014139.2).
Identifiers: ClinVar variation 1157133 (VCV001157133.9), dbSNP rs773374315, ClinGen allele CA2322775.